The following is an entry in ClinVar:

NM_014915.3(ANKRD26):c.16A>C (p.Ser6Arg)

Genes: ANKRD26 (ankyrin repeat domain 26; minus strand), LOC130003554 (ATAC-STARR-seq lymphoblastoid silent region 2243; plus strand). Cytogenetic location: 10p12.1.
Variant type: single nucleotide variant.
Coding change: c.16A>C on transcript NM_014915.3 (MANE Select); coding-DNA position 16, A replaced by C.
Protein change: p.Ser6Arg; replaces serine 6 with arginine.
Molecular consequence: missense variant.
Genome position (GRCh38, 1-based): chr10:27,100,311, T>G on the plus strand (A>C on the coding strand, the complement: ANKRD26 is on the minus strand). VCF-style: chr10-27100311-T-G. GRCh37 (hg19) VCF-style: chr10-27389240-T-G.
Other names: c.16A>C, p.Ser6Arg (NM_001256053.2); short protein forms S6R.
Identifiers: ClinVar variation 4580419 (VCV004580419.1).
Genomic context (GRCh38, chr10:27,100,311, plus strand): 5'-CTCCCGCGCTGCTCCTCTGCCGCCGCGCGAAGGAGCCCAAGGGCGACTCGCCCTTCTTAC[T>G]AAAAATCTTCTTCATGGCCCAGGCGACCGGGCTTCAGAGACACCTCATGTCTCTCTCGGC-3'
Protein context (NP_055730.2, residues 1-16): MKKIF[Ser6Arg]KKGESPLGSF

ClinVar aggregate classification (germline): Uncertain significance (1 of 4 stars; one submission).

Conditions:
Inborn genetic diseases. Identifiers: MedGen C0950123, MeSH D030342.

gnomAD v4.1: 1 of 1,608,820 alleles (0.000062%); highest among the groups gnomAD compares: Non-Finnish European, 0.000085%; no homozygotes.

Submission:

Ambry Genetics
Classification: Uncertain significance for Inborn genetic diseases. Last evaluated: 2025-12-09. Review status: criteria provided, single submitter. Criteria: Ambry Variant Classification Scheme 2023. Collection method: clinical testing. Allele origin: germline.
Comment: The p.S6R variant (also known as c.16A>C), located in coding exon 1 of the ANKRD26 gene, results from an A to C substitution at nucleotide position 16. The serine at codon 6 is replaced by arginine, an amino acid with dissimilar properties. This amino acid position is conserved. In addition, this alteration is predicted to be tolerated by in silico analysis. Based on the available evidence, the clinical significance of this variant remains unclear.